The following is an entry in ClinVar:

ClinVar aggregate classification (germline): Uncertain significance (1 of 4 stars; one submission).

Conditions:
Generalized epilepsy with febrile seizures plus, type 7 (GEFSP7). Also called: GEFS+, TYPE 7. Identifiers: Orphanet 36387, MedGen C2751778, MONDO:0013470, OMIM 613863.
Neuropathy, hereditary sensory and autonomic, type 2A (HSAN2A). Also called: HSAN IIA; MORVAN DISEASE; NEUROPATHY, CONGENITAL SENSORY; NEUROPATHY, HEREDITARY SENSORY RADICULAR, AUTOSOMAL RECESSIVE; NEUROPATHY, HEREDITARY SENSORY, TYPE IIA; NEUROPATHY, PROGRESSIVE SENSORY, OF CHILDREN. Identifiers: Orphanet 970, MedGen C2752089, MONDO:0024309, OMIM 201300.

Submission:

Labcorp Genetics (formerly Invitae), Labcorp
Classification: Uncertain significance for Neuropathy, hereditary sensory and autonomic, type 2A; Generalized epilepsy with febrile seizures plus, type 7. Last evaluated: 2024-09-09. Review status: criteria provided, single submitter. Criteria: Invitae Variant Classification Sherloc (09022015). Collection method: clinical testing. Allele origin: germline.
Comment: This sequence change replaces leucine, which is neutral and non-polar, with phenylalanine, which is neutral and non-polar, at codon 306 of the SCN9A protein (p.Leu306Phe). This variant is not present in population databases (gnomAD no frequency). This variant has not been reported in the literature in individuals affected with SCN9A-related conditions. ClinVar contains an entry for this variant (Variation ID: 1920704). Invitae Evidence Modeling of protein sequence and biophysical properties (such as structural, functional, and spatial information, amino acid conservation, physicochemical variation, residue mobility, and thermodynamic stability) has been performed for this missense variant. However, the output from this modeling did not meet the statistical confidence thresholds required to predict the impact of this variant on SCN9A protein function. In summary, the available evidence is currently insufficient to determine the role of this variant in disease. Therefore, it has been classified as a Variant of Uncertain Significance.

NM_001365536.1(SCN9A):c.918G>T (p.Leu306Phe)

Genes: SCN1A-AS1 (SCN1A and SCN9A antisense RNA 1; plus strand), SCN9A (sodium voltage-gated channel alpha subunit 9; minus strand). Cytogenetic location: 2q24.3.
Variant type: single nucleotide variant.
Coding change: c.918G>T on transcript NM_001365536.1 (MANE Select); coding-DNA position 918, G replaced by T.
Protein change: p.Leu306Phe; replaces leucine 306 with phenylalanine.
Molecular consequence: missense variant. On other transcripts: non-coding transcript variant (1).
Genome position (GRCh38, 1-based): chr2:166,294,646, C>A on the plus strand (G>T on the coding strand, the complement: SCN9A is on the minus strand). VCF-style: chr2-166294646-C-A. GRCh37 (hg19) VCF-style: chr2-167151156-C-A.
Other names: c.918G>T, p.Leu306Phe (NM_002977.4); short protein forms L306F.
Identifiers: ClinVar variation 1920704 (VCV001920704.5), dbSNP rs1326815034, ClinGen allele CA349089785.
Genomic context (GRCh38, chr2:166,294,646, plus strand): 5'-AAATATTACATACCCTGAATCTGTGCTGAAACCACAAAGGAGAGCATCTTTGGATCCTTC[C>A]AAGTAATAAAAATATTCTGTTGAAGAAGAATTTGAACAGTTATAACATCACAGACTTTAA-3'
Protein context (NP_001352465.1, residues 296-316): EEDFRKYFYY[Leu306Phe]EGSKDALLCG